The following is an entry in ClinVar:

ClinVar aggregate classification (germline): Uncertain significance (1 of 4 stars; one submission).

Submission:

GeneDx
Classification: Uncertain significance. Last evaluated: 2024-07-17. Review status: criteria provided, single submitter. Criteria: GeneDx Variant Classification Process June 2021. Collection method: clinical testing. Allele origin: germline. Affected: yes.
Comment: In silico analysis supports that this missense variant has a deleterious effect on protein structure/function; Not observed at significant frequency in large population cohorts (gnomAD); Has not been previously published as pathogenic or benign to our knowledge

NM_205768.3(ZBTB18):c.305C>T (p.Pro102Leu)

Gene: ZBTB18 (zinc finger and BTB domain containing 18; plus strand). Cytogenetic location: 1q44.
Variant type: single nucleotide variant.
Coding change: c.305C>T on transcript NM_205768.3 (MANE Select); coding-DNA position 305, C replaced by T.
Protein change: p.Pro102Leu; replaces proline 102 with leucine.
Molecular consequence: missense variant.
Genome position (GRCh38, 1-based): chr1:244,054,079, C>T. VCF-style: chr1-244054079-C-T. GRCh37 (hg19) VCF-style: chr1-244217381-C-T.
Other names: c.278C>T, p.Pro93Leu (NM_001278196.2, NM_006352.5); c.305C>T, p.Pro102Leu (NM_001421566.1); short protein forms P102L, P93L.
Identifiers: ClinVar variation 3573693 (VCV003573693.1).
Genomic context (GRCh38, chr1:244,054,079, plus strand): 5'-CCGCTTTCGCTCTCCTGCTTGAATTCATGTATGAAGGGAAACTCCAGTTCAAAGACTTGC[C>T]CATTGAAGACGTGCTAGCAGCTGCCAGTTATCTCCACATGTATGACATTGTCAAAGTCTG-3'
Protein context (NP_991331.1, residues 92-112): YEGKLQFKDL[Pro102Leu]IEDVLAAASY